The following is an entry in ClinVar:

ClinVar aggregate classification (germline): Uncertain significance. Review status: criteria provided, multiple submitters, no conflicts (2 of 4 stars). 2 submissions from 2 submitters: Uncertain significance (2). Last evaluated 2024-09-17.

Conditions:
Inborn genetic diseases. Identifiers: MedGen C0950123, MeSH D030342.

Allele frequency attached by ClinVar (database versions not stated): gnomAD exomes below 0.00001; TOPMed below 0.00001.
gnomAD v4.1: 1 of 1,613,330 alleles (0.000062%); highest among the groups gnomAD compares: Non-Finnish European, 0.000085%; no homozygotes.

Submissions (2):

Labcorp Genetics (formerly Invitae), Labcorp
Classification: Uncertain significance. Last evaluated: 2024-09-17. Review status: criteria provided, single submitter. Criteria: Invitae Variant Classification Sherloc (09022015). Collection method: clinical testing. Allele origin: germline.
Comment: This sequence change replaces lysine, which is basic and polar, with glutamic acid, which is acidic and polar, at codon 232 of the ASNS protein (p.Lys232Glu). This variant is not present in population databases (gnomAD no frequency). This variant has not been reported in the literature in individuals affected with ASNS-related conditions. ClinVar contains an entry for this variant (Variation ID: 2543734). Invitae Evidence Modeling of protein sequence and biophysical properties (such as structural, functional, and spatial information, amino acid conservation, physicochemical variation, residue mobility, and thermodynamic stability) indicates that this missense variant is not expected to disrupt ASNS protein function with a negative predictive value of 80%. In summary, the available evidence is currently insufficient to determine the role of this variant in disease. Therefore, it has been classified as a Variant of Uncertain Significance.

Ambry Genetics
Classification: Uncertain significance for Inborn genetic diseases. Last evaluated: 2023-05-04. Review status: criteria provided, single submitter. Criteria: Ambry Variant Classification Scheme 2023. Collection method: clinical testing. Allele origin: germline.

NM_001673.5(ASNS):c.694A>G (p.Lys232Glu)

Genes: ASNS (asparagine synthetase (glutamine-hydrolyzing); minus strand), CZ1P-ASNS (CZ1P-ASNS readthrough; minus strand). Cytogenetic location: 7q21.3.
Variant type: single nucleotide variant.
Coding change: c.694A>G on transcript NM_001673.5 (MANE Select); coding-DNA position 694, A replaced by G.
Protein change: p.Lys232Glu; replaces lysine 232 with glutamic acid.
Molecular consequence: missense variant. On other transcripts: non-coding transcript variant (1).
Genome position (GRCh38, 1-based): chr7:97,858,935, T>C on the plus strand (A>G on the coding strand, the complement: ASNS is on the minus strand). VCF-style: chr7-97858935-T-C. GRCh37 (hg19) VCF-style: chr7-97488247-T-C.
Other names: c.631A>G, p.Lys211Glu (NM_001178075.2); c.445A>G, p.Lys149Glu (NM_001178076.2, NM_001178077.1); c.694A>G, p.Lys232Glu (NM_001352496.2, NM_133436.3, NM_183356.4); short protein forms K232E, K149E, K211E.
Identifiers: ClinVar variation 2543734 (VCV002543734.4), dbSNP rs1791584965, ClinGen allele CA368268908.